The following is an entry in ClinVar:

NM_016616.5(NME8):c.1510G>A (p.Asp504Asn)

Gene: NME8 (NME/NM23 family member 8; plus strand). Cytogenetic location: 7p14.1.
Variant type: single nucleotide variant.
Coding change: c.1510G>A on transcript NM_016616.5 (MANE Select); coding-DNA position 1510, G replaced by A.
Protein change: p.Asp504Asn; replaces aspartic acid 504 with asparagine.
Molecular consequence: missense variant.
Genome position (GRCh38, 1-based): chr7:37,894,576, G>A. VCF-style: chr7-37894576-G-A. GRCh37 (hg19) VCF-style: chr7-37934178-G-A.
Other names: short protein forms D504N.
Identifiers: ClinVar variation 1774203 (VCV001774203.2), dbSNP rs774793704, ClinGen allele CA367217009.

ClinVar aggregate classification (germline): Uncertain significance (1 of 4 stars; one submission).

Conditions:
Primary ciliary dyskinesia. Also called: Ciliary dyskinesia. Identifiers: Orphanet 244, MedGen C0008780, MONDO:0016575, HP:0012265.

gnomAD v4.1: 1 of 1,599,436 alleles (0.000063%); highest among the groups gnomAD compares: Admixed American, 0.0017%; no homozygotes.

Submission:

Ambry Genetics
Classification: Uncertain significance for Primary ciliary dyskinesia. Last evaluated: 2021-07-22. Review status: criteria provided, single submitter. Criteria: Ambry Variant Classification Scheme 2023. Collection method: clinical testing. Allele origin: germline.
Comment: The p.D504N variant (also known as c.1510G>A), located in coding exon 14 of the NME8 gene, results from a G to A substitution at nucleotide position 1510. The aspartic acid at codon 504 is replaced by asparagine, an amino acid with highly similar properties. This amino acid position is conserved. In addition, this alteration is predicted to be tolerated by in silico analysis. Since supporting evidence is limited at this time, the clinical significance of this alteration remains unclear.